The following is an entry in ClinVar:

NM_001318852.2(MAPK8IP3):c.584G>T (p.Ser195Ile)

Gene: MAPK8IP3 (mitogen-activated protein kinase 8 interacting protein 3; plus strand). Cytogenetic location: 16p13.3.
Variant type: single nucleotide variant.
Coding change: c.584G>T on transcript NM_001318852.2 (MANE Select); coding-DNA position 584, G replaced by T.
Protein change: p.Ser195Ile; replaces serine 195 with isoleucine.
Molecular consequence: missense variant.
Genome position (GRCh38, 1-based): chr16:1,729,560, G>T. VCF-style: chr16-1729560-G-T. GRCh37 (hg19) VCF-style: chr16-1779561-G-T.
Other names: c.584G>T, p.Ser195Ile (NM_001040439.2, NM_015133.5); short protein forms S195I.
Identifiers: ClinVar variation 4681599 (VCV004681599.5).
Genomic context (GRCh38, chr16:1,729,560, plus strand): 5'-ACGTGGAGCACATTGAGAGGTCCAAGATGCAGCAGGTCGGAGGAAACAGCCAGACCGAGA[G>T]CAGCCTGCCGGGGCGGAGGTACGCGGGGCGCGGCGGGGTGGAGGTACGCGGGGCGCGGCG-3'
Protein context (NP_001305781.1, residues 185-205): QQVGGNSQTE[Ser195Ile]SLPGRSRKER

ClinVar aggregate classification (germline): Likely benign (1 of 4 stars; one submission).

gnomAD v4.1: 18 of 1,608,154 alleles (0.0011%); highest among the groups gnomAD compares: South Asian, 0.018%; no homozygotes.

Submission:

CeGaT Center for Human Genetics Tuebingen
Classification: Likely benign. Last evaluated: 2025-12-01. Review status: criteria provided, single submitter. Criteria: CeGaT Center For Human Genetics Tuebingen Variant Classification Criteria Version 2. Collection method: clinical testing. Allele origin: germline. Affected: yes. Observed: 1 variant allele.
Comment: MAPK8IP3: BP4